The following is an entry in ClinVar:

NM_015057.5(MYCBP2):c.11506A>G (p.Ile3836Val)

Genes: MYCBP2 (MYC binding protein 2; minus strand), MYCBP2-AS1 (MYCBP2 antisense RNA 1; plus strand). Cytogenetic location: 13q22.3.
Variant type: single nucleotide variant.
Coding change: c.11506A>G on transcript NM_015057.5 (MANE Select); coding-DNA position 11506, A replaced by G.
Protein change: p.Ile3836Val; replaces isoleucine 3836 with valine.
Molecular consequence: missense variant.
Genome position (GRCh38, 1-based): chr13:77,077,366, T>C on the plus strand (A>G on the coding strand, the complement: MYCBP2 is on the minus strand). VCF-style: chr13-77077366-T-C. GRCh37 (hg19) VCF-style: chr13-77651501-T-C.
Other names: short protein forms I3836V.
Identifiers: ClinVar variation 2662211 (VCV002662211.1), dbSNP rs762960584, ClinGen allele CA7008099.
Genomic context (GRCh38, chr13:77,077,366, plus strand): 5'-TTAATTCAATTTTTATGATGTGATTATCCCCTCCTGGAAGTTCACTTGTTACCCAGCCAA[T>C]GTGCCTGGAATCCAGATCAACCTGGTTGAGTAGAAAAGAGGCAGGAACCTGATTCAGCTG-3'
Protein context (NP_055872.4, residues 3826-3846): IKQVDLDSRH[Ile3836Val]GWVTSELPGG

ClinVar aggregate classification (germline): Uncertain significance (1 of 4 stars; one submission).

Allele frequency attached by ClinVar (database versions not stated): ExAC 0.00001; gnomAD exomes 0.00001.
gnomAD v4.1: 3 of 1,614,012 alleles (0.00019%); highest among the groups gnomAD compares: Non-Finnish European, 0.00025%; no homozygotes.

Submission:

GeneDx
Classification: Uncertain significance. Last evaluated: 2023-05-08. Review status: criteria provided, single submitter. Criteria: GeneDx Variant Classification Process June 2021. Collection method: clinical testing. Allele origin: germline. Affected: yes.
Comment: In silico analysis supports that this missense variant does not alter protein structure/function; Has not been previously published as pathogenic or benign to our knowledge